The following is an entry in ClinVar:

ClinVar aggregate classification (germline): Uncertain significance (1 of 4 stars; one submission).

Submission:

Labcorp Genetics (formerly Invitae), Labcorp
Classification: Uncertain significance. Last evaluated: 2021-09-01. Review status: criteria provided, single submitter. Criteria: Invitae Variant Classification Sherloc (09022015). Collection method: clinical testing. Allele origin: germline.
Comment: Advanced modeling of protein sequence and biophysical properties (such as structural, functional, and spatial information, amino acid conservation, physicochemical variation, residue mobility, and thermodynamic stability) performed at Invitae indicates that this missense variant is expected to disrupt LRP5 protein function. This variant disrupts the p.Tyr1168 amino acid residue in LRP5. Other variant(s) that disrupt this residue have been observed in individuals with LRP5-related conditions (PMID: 15024691), which suggests that this may be a clinically significant amino acid residue. In summary, the available evidence is currently insufficient to determine the role of this variant in disease. Therefore, it has been classified as a Variant of Uncertain Significance. This missense change has been observed in individual(s) with clinical features of LRP5-related conditions (Invitae). This variant is not present in population databases (ExAC no frequency). This sequence change replaces tyrosine with serine at codon 1168 of the LRP5 protein (p.Tyr1168Ser). The tyrosine residue is highly conserved and there is a large physicochemical difference between tyrosine and serine.

Literature cited by the submitters: PubMed 15024691.

NM_002335.4(LRP5):c.3503A>C (p.Tyr1168Ser)

Gene: LRP5 (LDL receptor related protein 5; plus strand). Cytogenetic location: 11q13.2.
Variant type: single nucleotide variant.
Coding change: c.3503A>C on transcript NM_002335.4 (MANE Select); coding-DNA position 3503, A replaced by C.
Protein change: p.Tyr1168Ser; replaces tyrosine 1168 with serine.
Molecular consequence: missense variant.
Genome position (GRCh38, 1-based): chr11:68,426,053, A>C. VCF-style: chr11-68426053-A-C. GRCh37 (hg19) VCF-style: chr11-68193521-A-C.
Other names: c.1760A>C, p.Tyr587Ser (NM_001291902.2); short protein forms Y1168S, Y587S.
Identifiers: ClinVar variation 1378998 (VCV001378998.6), dbSNP rs2153174400, ClinGen allele CA381621821.